The following is an entry in ClinVar:

NM_000284.4(PDHA1):c.564G>T (p.Glu188Asp)

Gene: PDHA1 (pyruvate dehydrogenase E1 subunit alpha 1; plus strand). Cytogenetic location: Xp22.12.
Variant type: single nucleotide variant.
Coding change: c.564G>T on transcript NM_000284.4 (MANE Select); coding-DNA position 564, G replaced by T.
Protein change: p.Glu188Asp; replaces glutamic acid 188 with aspartic acid.
Molecular consequence: missense variant. On other transcripts: intron variant (1).
Genome position (GRCh38, 1-based): chrX:19,354,544, G>T. VCF-style: chrX-19354544-G-T. GRCh37 (hg19) VCF-style: chrX-19372662-G-T.
Other names: c.678G>T, p.Glu226Asp (NM_001173454.2); c.585G>T, p.Glu195Asp (NM_001173455.2); c.511-805G>T (NM_001173456.2); short protein forms E195D, E226D, E188D.
Identifiers: ClinVar variation 1748859 (VCV001748859.24), dbSNP rs749319044, ClinGen allele CA10363059.

ClinVar aggregate classification (germline): Conflicting classifications of pathogenicity. Review status: criteria provided, conflicting classifications (1 of 4 stars). 3 submissions from 3 submitters: Uncertain significance (2); Likely benign (1). Last evaluated 2025-02-01.

Conditions:
Intellectual disability. Also called: Intellectual functioning disability; Intellectual developmental disorder; intellectual disabilities. Identifiers: MedGen C3714756, MeSH D008607, MONDO:0001071, HP:0001249.
Inborn genetic diseases. Identifiers: MedGen C0950123, MeSH D030342.

Allele frequency attached by ClinVar (database versions not stated): ExAC 0.00001; gnomAD 0.00003; TOPMed 0.00003; gnomAD exomes 0.00005.
gnomAD v4.1: 59 of 1,197,977 alleles (0.0049%); highest among the groups gnomAD compares: Non-Finnish European, 0.006%; no homozygotes.

Submissions (3):

CeGaT Center for Human Genetics Tuebingen
Classification: Likely benign. Last evaluated: 2025-02-01. Review status: criteria provided, single submitter. Criteria: CeGaT Center For Human Genetics Tuebingen Variant Classification Criteria Version 2. Collection method: clinical testing. Allele origin: germline. Affected: yes. Observed: 2 variant alleles.
Comment: PDHA1: PM5, PP2, BS2

Ambry Genetics
Classification: Uncertain significance for Inborn genetic diseases. Last evaluated: 2023-10-16. Review status: criteria provided, single submitter. Criteria: Ambry Variant Classification Scheme 2023. Collection method: clinical testing. Allele origin: germline.

Cambridge Genomics Laboratory, East Genomic Laboratory Hub, NHS Genomic Medicine Service
Classification: Uncertain significance for Intellectual disability. Last evaluated: 2019-09-26. Review status: criteria provided, single submitter. Criteria: ACGS Best Practice Guidelines for Variant Classification in Rare Disease 2020. Collection method: clinical testing. Allele origin: germline. Affected: yes. Observed: 1 variant allele.